The following is an entry in ClinVar:

ClinVar aggregate classification (germline): Uncertain significance (1 of 4 stars; one submission).

Conditions:
Combined immunodeficiency due to LRBA deficiency. Also called: Common variable immunodeficiency 8, with autoimmunity. Identifiers: Orphanet 445018, MedGen C3553512, MONDO:0013863, OMIM 614700.

Submission:

Labcorp Genetics (formerly Invitae), Labcorp
Classification: Uncertain significance for Combined immunodeficiency due to LRBA deficiency. Last evaluated: 2023-06-06. Review status: criteria provided, single submitter. Criteria: Invitae Variant Classification Sherloc (09022015). Collection method: clinical testing. Allele origin: unknown.
Comment: In summary, the available evidence is currently insufficient to determine the role of this variant in disease. Therefore, it has been classified as a Variant of Uncertain Significance. This variant disrupts a region of the LRBA protein in which other variant(s) (p.R1445Q) have been observed in individuals with LRBA-related conditions (PMID: 26206937). This suggests that this is a clinically significant region of the protein, and that variants that disrupt it are likely to be disease-causing. Experimental studies and prediction algorithms are not available or were not evaluated, and the functional significance of this variant is currently unknown. This variant has not been reported in the literature in individuals affected with LRBA-related conditions. This variant is a gross deletion of the genomic region encompassing exon(s) 23-27 of the LRBA gene. This variant would be expected to be in-frame, preserving the integrity of the reading frame.

Literature cited by the submitters: PubMed 26206937.

NC_000004.11:g.(?_151765790)_(151774115_?)del

Gene: LRBA (LPS responsive beige-like anchor protein; minus strand). Cytogenetic location: 4q31.3.
Variant type: Deletion.
Identifiers: ClinVar variation 3246676 (VCV003246676.1).